The following is an entry in ClinVar:

NM_001375834.1(WIPF1):c.430C>A (p.Pro144Thr)

Gene: WIPF1 (WAS/WASL interacting protein family member 1; minus strand). Cytogenetic location: 2q31.1.
Variant type: single nucleotide variant.
Coding change: c.430C>A on transcript NM_001375834.1 (MANE Select); coding-DNA position 430, C replaced by A.
Protein change: p.Pro144Thr; replaces proline 144 with threonine.
Molecular consequence: missense variant. On other transcripts: intron variant (1).
Genome position (GRCh38, 1-based): chr2:174,572,375, G>T on the plus strand (C>A on the coding strand, the complement: WIPF1 is on the minus strand). VCF-style: chr2-174572375-G-T. GRCh37 (hg19) VCF-style: chr2-175437103-G-T.
Other names: c.430C>A, p.Pro144Thr (NM_001077269.1, NM_001375832.1, NM_001375833.1 and 5 more transcripts); c.182-130C>A (NM_001375839.1); short protein forms P144T.
Identifiers: ClinVar variation 856531 (VCV000856531.11), dbSNP rs144275492, ClinGen allele CA1974127.

ClinVar aggregate classification (germline): Uncertain significance. Review status: criteria provided, multiple submitters, no conflicts (2 of 4 stars). 2 submissions from 2 submitters: Uncertain significance (2). Last evaluated 2021-08-16.

Conditions:
Inborn genetic diseases. Identifiers: MedGen C0950123, MeSH D030342.
Wiskott-Aldrich syndrome 2 (WAS2). Also called: WIPF1 DEFICIENCY. Identifiers: Orphanet 906, MedGen C3281001, MONDO:0013779, OMIM 614493.

Allele frequency attached by ClinVar (database versions not stated): gnomAD 0.00001; TOPMed 0.00002; ESP Exome Variant Server 0.00008.
gnomAD v4.1: 17 of 1,614,042 alleles (0.0011%); highest among the groups gnomAD compares: Admixed American, 0.0033%; no homozygotes.

Submissions (2):

Ambry Genetics
Classification: Uncertain significance for Inborn genetic diseases. Last evaluated: 2021-08-16. Review status: criteria provided, single submitter. Criteria: Ambry Variant Classification Scheme 2023. Collection method: clinical testing. Allele origin: germline.

Labcorp Genetics (formerly Invitae), Labcorp
Classification: Uncertain significance for Wiskott-Aldrich syndrome 2. Last evaluated: 2019-12-21. Review status: criteria provided, single submitter. Criteria: Invitae Variant Classification Sherloc (09022015). Collection method: clinical testing. Allele origin: germline.
Comment: In summary, the available evidence is currently insufficient to determine the role of this variant in disease. Therefore, it has been classified as a Variant of Uncertain Significance. Algorithms developed to predict the effect of missense changes on protein structure and function are either unavailable or do not agree on the potential impact of this missense change (SIFT: "Not Available"; PolyPhen-2: "Benign"; Align-GVGD: "Class Not Available"). This variant has not been reported in the literature in individuals with WIPF1-related conditions. This variant is present in population databases (rs144275492, ExAC 0.009%). This sequence change replaces proline with threonine at codon 144 of the WIPF1 protein (p.Pro144Thr). The proline residue is moderately conserved and there is a small physicochemical difference between proline and threonine.